The following is an entry in ClinVar:

ClinVar aggregate classification (germline): Uncertain significance. Review status: criteria provided, multiple submitters, no conflicts (2 of 4 stars). 4 submissions from 4 submitters: Uncertain significance (4). Last evaluated 2025-11-11.

Conditions:
Hereditary cancer-predisposing syndrome. Also called: Tumor predisposition; Hereditary neoplastic syndrome; Hereditary Cancer Syndrome; Neoplastic Syndromes, Hereditary. Identifiers: Orphanet 140162, MedGen C0027672, MeSH D009386, MONDO:0015356.
BAP1-related tumor predisposition syndrome (TPDS1). Also called: Tumor susceptibility linked to germline BAP1 mutations; COMMON Syndrome; TUMOR PREDISPOSITION SYNDROME 1; BAP1 tumor predisposition syndrome. Identifiers: Orphanet 289539, MedGen C3280492, MONDO:0013692, OMIM 614327.

Allele frequency attached by ClinVar (database versions not stated): TOPMed below 0.00001.

Submissions (4):

Ambry Genetics
Classification: Uncertain significance for Hereditary cancer-predisposing syndrome. Last evaluated: 2025-11-11. Review status: criteria provided, single submitter. Criteria: Ambry Variant Classification Scheme 2023. Collection method: clinical testing. Allele origin: germline.
Comment: The p.P324L variant (also known as c.971C>T), located in coding exon 11 of the BAP1 gene, results from a C to T substitution at nucleotide position 971. The proline at codon 324 is replaced by leucine, an amino acid with similar properties. This amino acid position is conserved. In addition, this alteration is predicted to be tolerated by in silico analysis. Based on the available evidence, the clinical significance of this variant remains unclear.

Labcorp Genetics (formerly Invitae), Labcorp
Classification: Uncertain significance for BAP1-related tumor predisposition syndrome. Last evaluated: 2025-04-30. Review status: criteria provided, single submitter. Criteria: Invitae Variant Classification Sherloc (09022015). Collection method: clinical testing. Allele origin: germline.
Comment: This sequence change replaces proline, which is neutral and non-polar, with leucine, which is neutral and non-polar, at codon 324 of the BAP1 protein (p.Pro324Leu). This variant is not present in population databases (gnomAD no frequency). This variant has not been reported in the literature in individuals affected with BAP1-related conditions. ClinVar contains an entry for this variant (Variation ID: 1171085). Invitae Evidence Modeling of protein sequence and biophysical properties (such as structural, functional, and spatial information, amino acid conservation, physicochemical variation, residue mobility, and thermodynamic stability) indicates that this missense variant is not expected to disrupt BAP1 protein function with a negative predictive value of 80%. In summary, the available evidence is currently insufficient to determine the role of this variant in disease. Therefore, it has been classified as a Variant of Uncertain Significance.

Color Diagnostics, LLC DBA Color Health
Classification: Uncertain significance for Hereditary cancer-predisposing syndrome. Last evaluated: 2024-03-06. Review status: criteria provided, single submitter. Criteria: ACMG Guidelines, 2015. Collection method: clinical testing. Allele origin: germline.
Comment: This missense variant replaces proline with leucine at codon 324 of the BAP1 protein. Computational prediction suggests that this variant may not impact protein structure and function (internally defined REVEL score threshold <= 0.5, PMID: 27666373). To our knowledge, functional studies have not been reported for this variant. This variant has not been reported in individuals affected with hereditary cancer in the literature. This variant has not been identified in the general population by the Genome Aggregation Database (gnomAD). The available evidence is insufficient to determine the role of this variant in disease conclusively. Therefore, this variant is classified as a Variant of Uncertain Significance.

Baylor Genetics
Classification: Uncertain significance for BAP1-related tumor predisposition syndrome. Last evaluated: 2023-12-24. Review status: criteria provided, single submitter. Criteria: ACMG Guidelines, 2015. Collection method: clinical testing. Allele origin: unknown.

NM_004656.4(BAP1):c.971C>T (p.Pro324Leu)

Gene: BAP1 (BRCA1 associated deubiquitinase 1; minus strand). Cytogenetic location: 3p21.1.
Variant type: single nucleotide variant.
Coding change: c.971C>T on transcript NM_004656.4 (MANE Select); coding-DNA position 971, C replaced by T.
Protein change: p.Pro324Leu; replaces proline 324 with leucine.
Molecular consequence: missense variant.
Genome position (GRCh38, 1-based): chr3:52,405,255, G>A on the plus strand (C>T on the coding strand, the complement: BAP1 is on the minus strand). VCF-style: chr3-52405255-G-A. GRCh37 (hg19) VCF-style: chr3-52439271-G-A.
Other names: c.971C>T (NM_004656.2); short protein forms P324L.
Identifiers: ClinVar variation 1171085 (VCV001171085.13), dbSNP rs1705112962, ClinGen allele CA353106170.
Genomic context (GRCh38, chr3:52,405,255, plus strand): 5'-TTGAGGCTGCTGCCTGGAGGCTTCACCACTAGCTTGGGTTTGTTGGGAGGGCTGTGGGAT[G>A]GGGCTTGTGCGCATGAACCAGCCGCCTCCTCTGCACCATCTGAGACAGGGCAAGAACACA-3'
Protein context (NP_004647.1, residues 314-334): EEAAGSCAQA[Pro324Leu]SHSPPNKPKL